The following is an entry in ClinVar:

NM_000535.7(PMS2):c.349_350del (p.Leu117fs)

Gene: PMS2 (PMS1 homolog 2, mismatch repair system component; minus strand). Cytogenetic location: 7p22.1.
Variant type: Deletion.
Coding change: c.349_350del on transcript NM_000535.7 (MANE Select); coding-DNA positions 349 to 350, 2 bases deleted (CT; older notation c.349_350delCT).
Protein change: p.Leu117fs; shifts the reading frame from leucine 117.
Molecular consequence: frameshift variant. On other transcripts: 5 prime UTR variant (9), non-coding transcript variant (1), intron variant (2).
Genome position (GRCh38, 1-based): chr7:6,003,693-6,003,694, AG deleted on the plus strand (CT on the coding strand, the reverse complement: PMS2 is on the minus strand). VCF-style (leftmost placement, unchanged base first): chr7-6003692-CAG-C. GRCh37 (hg19) VCF-style: chr7-6043323-CAG-C.
Other names: c.-57_-56delCT (NM_001018040.1, NM_001406887.1, NM_001406891.1 and 8 more transcripts); c.-57_-56del (NM_001322003.2, NM_001322004.2, NM_001322005.2 and 3 more transcripts); c.349_350del, p.Leu117fs (NM_001322006.2, NM_001322014.2); c.-536_-535del (NM_001322011.2, NM_001322012.2); c.-136_-135del (NM_001322015.2); c.535_536delCT, p.Leu179Glufs (NM_001406866.1); c.373_374delCT, p.Leu125Glufs (NM_001406868.1); c.349_350delCT, p.Leu117Glufs (NM_001406869.1, NM_001406870.1, NM_001406871.1 and 6 more transcripts); and 2 more; short protein forms L117fs.
Identifiers: ClinVar variation 2000328 (VCV002000328.4), dbSNP rs2536493646, ClinGen allele CA2580077014.

ClinVar aggregate classification (germline): Pathogenic (1 of 4 stars; one submission).

Conditions:
Hereditary nonpolyposis colorectal neoplasms. Identifiers: MedGen C0009405, MeSH D003123.

Submission:

Labcorp Genetics (formerly Invitae), Labcorp
Classification: Pathogenic for Hereditary nonpolyposis colorectal neoplasms. Last evaluated: 2022-05-29. Review status: criteria provided, single submitter. Criteria: Invitae Variant Classification Sherloc (09022015). Collection method: clinical testing. Allele origin: germline.
Comment: This variant is not present in population databases (gnomAD no frequency). This sequence change creates a premature translational stop signal (p.Leu117Glufs*21) in the PMS2 gene. It is expected to result in an absent or disrupted protein product. Loss-of-function variants in PMS2 are known to be pathogenic (PMID: 21376568, 24362816). This variant has not been reported in the literature in individuals affected with PMS2-related conditions. For these reasons, this variant has been classified as Pathogenic.

Literature cited by the submitters: PubMed 21376568; PubMed 24362816.